The following is an entry in ClinVar:

NM_004281.4(BAG3):c.863A>T (p.His288Leu)

Gene: BAG3 (BAG cochaperone 3; plus strand). Cytogenetic location: 10q26.11.
Variant type: single nucleotide variant.
Coding change: c.863A>T on transcript NM_004281.4 (MANE Select); coding-DNA position 863, A replaced by T.
Protein change: p.His288Leu; replaces histidine 288 with leucine.
Molecular consequence: missense variant.
Genome position (GRCh38, 1-based): chr10:119,672,610, A>T. VCF-style: chr10-119672610-A-T. GRCh37 (hg19) VCF-style: chr10-121432122-A-T.
Other names: short protein forms H288L.
Identifiers: ClinVar variation 3750933 (VCV003750933.2).

ClinVar aggregate classification (germline): Uncertain significance (1 of 4 stars; one submission).

Conditions:
Myofibrillar myopathy 6. Identifiers: Orphanet 199340, MedGen C2751831, MONDO:0013061, OMIM 612954.
Dilated cardiomyopathy 1HH (CMD1HH). Identifiers: Orphanet 154, MedGen C3151293, MONDO:0013479, OMIM 613881.

gnomAD v4.1: 1 of 1,613,196 alleles (0.000062%); highest among the groups gnomAD compares: Non-Finnish European, 0.000085%; no homozygotes.

Submission:

Labcorp Genetics (formerly Invitae), Labcorp
Classification: Uncertain significance for Dilated cardiomyopathy 1HH; Myofibrillar myopathy 6. Last evaluated: 2024-08-06. Review status: criteria provided, single submitter. Criteria: Invitae Variant Classification Sherloc (09022015). Collection method: clinical testing. Allele origin: germline.
Comment: This sequence change replaces histidine, which is basic and polar, with leucine, which is neutral and non-polar, at codon 288 of the BAG3 protein (p.His288Leu). This variant is present in population databases (rs780242996, gnomAD 0.0009%). This variant has not been reported in the literature in individuals affected with BAG3-related conditions. Advanced modeling of protein sequence and biophysical properties (such as structural, functional, and spatial information, amino acid conservation, physicochemical variation, residue mobility, and thermodynamic stability) performed at Invitae indicates that this missense variant is not expected to disrupt BAG3 protein function with a negative predictive value of 80%. In summary, the available evidence is currently insufficient to determine the role of this variant in disease. Therefore, it has been classified as a Variant of Uncertain Significance.